The following is an entry in ClinVar:

ClinVar aggregate classification (germline): Uncertain significance. Review status: criteria provided, multiple submitters, no conflicts (2 of 4 stars). 2 submissions from 2 submitters: Uncertain significance (2). Last evaluated 2025-08-14.

Conditions:
Hereditary cancer-predisposing syndrome. Also called: Tumor predisposition; Hereditary Cancer Syndrome; Hereditary neoplastic syndrome; Neoplastic Syndromes, Hereditary. Identifiers: Orphanet 140162, MedGen C0027672, MeSH D009386, MONDO:0015356.
POLD1-related polyposis and colorectal cancer syndrome (CRCS10). Also called: Colorectal cancer 10; COLORECTAL CANCER, SUSCEPTIBILITY TO, ON CHROMOSOME 19q; Colorectal cancer, susceptibility to, 10. Identifiers: Orphanet 220460, MedGen C2675481, MONDO:0012953, OMIM 612591.

gnomAD v4.1: 2 of 1,609,096 alleles (0.00012%); highest among the groups gnomAD compares: Non-Finnish European, 0.00017%; no homozygotes.

Submissions (2):

Ambry Genetics
Classification: Uncertain significance for Hereditary cancer-predisposing syndrome. Last evaluated: 2025-08-14. Review status: criteria provided, single submitter. Criteria: Ambry Variant Classification Scheme 2023. Collection method: clinical testing. Allele origin: germline.
Comment: The p.H821Q variant (also known as c.2463C>G), located in coding exon 19 of the POLD1 gene, results from a C to G substitution at nucleotide position 2463. The histidine at codon 821 is replaced by glutamine, an amino acid with highly similar properties. This amino acid position is conserved. In addition, this alteration is predicted to be tolerated by in silico analysis. Since supporting evidence is limited at this time, the clinical significance of this alteration remains unclear.

Labcorp Genetics (formerly Invitae), Labcorp
Classification: Uncertain significance for POLD1-related polyposis and colorectal cancer syndrome. Last evaluated: 2024-09-14. Review status: criteria provided, single submitter. Criteria: Invitae Variant Classification Sherloc (09022015). Collection method: clinical testing. Allele origin: germline.
Comment: This sequence change replaces histidine, which is basic and polar, with glutamine, which is neutral and polar, at codon 821 of the POLD1 protein (p.His821Gln). This variant is not present in population databases (gnomAD no frequency). This variant has not been reported in the literature in individuals affected with POLD1-related conditions. ClinVar contains an entry for this variant (Variation ID: 1024980). Invitae Evidence Modeling of protein sequence and biophysical properties (such as structural, functional, and spatial information, amino acid conservation, physicochemical variation, residue mobility, and thermodynamic stability) has been performed for this missense variant. However, the output from this modeling did not meet the statistical confidence thresholds required to predict the impact of this variant on POLD1 protein function. In summary, the available evidence is currently insufficient to determine the role of this variant in disease. Therefore, it has been classified as a Variant of Uncertain Significance.

NM_002691.4(POLD1):c.2463C>G (p.His821Gln)

Gene: POLD1 (DNA polymerase delta 1, catalytic subunit; plus strand). Cytogenetic location: 19q13.33.
Variant type: single nucleotide variant.
Coding change: c.2463C>G on transcript NM_002691.4 (MANE Select); coding-DNA position 2463, C replaced by G.
Protein change: p.His821Gln; replaces histidine 821 with glutamine.
Molecular consequence: missense variant. On other transcripts: non-coding transcript variant (1).
Genome position (GRCh38, 1-based): chr19:50,414,889, C>G. VCF-style: chr19-50414889-C-G. GRCh37 (hg19) VCF-style: chr19-50918146-C-G.
Other names: c.2463C>G, p.His821Gln (NM_001256849.1); c.2541C>G, p.His847Gln (NM_001308632.1); short protein forms H821Q, H847Q.
Identifiers: ClinVar variation 1024980 (VCV001024980.13), dbSNP rs150607556, ClinGen allele CA406984819.